The following is an entry in ClinVar:

NM_000383.4(AIRE):c.1373A>G (p.His458Arg)

Gene: AIRE (autoimmune regulator; plus strand). Cytogenetic location: 21q22.3.
Variant type: single nucleotide variant.
Coding change: c.1373A>G on transcript NM_000383.4 (MANE Select); coding-DNA position 1373, A replaced by G.
Protein change: p.His458Arg; replaces histidine 458 with arginine.
Molecular consequence: missense variant.
Genome position (GRCh38, 1-based): chr21:44,293,883, A>G. VCF-style: chr21-44293883-A-G. GRCh37 (hg19) VCF-style: chr21-45713766-A-G.
Other names: short protein forms H458R.
Identifiers: ClinVar variation 661505 (VCV000661505.9), dbSNP rs1601969955, ClinGen allele CA410425789.

ClinVar aggregate classification (germline): Uncertain significance. Review status: criteria provided, single submitter (1 of 4 stars). 2 submissions from 2 submitters: Uncertain significance (1). 1 of the submissions does not count toward it. Last evaluated 2018-12-29.

Conditions:
Polyglandular autoimmune syndrome, type 1 (APS1). Also called: APS I; AUTOIMMUNE POLYENDOCRINE SYNDROME, TYPE I, WITH OR WITHOUT REVERSIBLE METAPHYSEAL DYSPLASIA; Autoimmune polyendocrinopathy syndrome, type I; Autoimmune polyendocrinopathy syndrome , type I, with or without reversible metaphyseal dysplasia; HYPOADRENOCORTICISM WITH HYPOPARATHYROIDISM AND SUPERFICIAL MONILIASIS; Autoimmune polyendocrine syndrome type 1. Identifiers: Orphanet 3453, MedGen C0085859, MONDO:0009411, OMIM 240300.

Allele frequency attached by ClinVar (database versions not stated): gnomAD exomes below 0.00001.

Submissions (2):

Labcorp Genetics (formerly Invitae), Labcorp
Classification: Uncertain significance for Polyglandular autoimmune syndrome, type 1. Last evaluated: 2018-12-29. Review status: criteria provided, single submitter. Criteria: Invitae Variant Classification Sherloc (09022015). Collection method: clinical testing. Allele origin: germline.
Comment: In summary, the available evidence is currently insufficient to determine the role of this variant in disease. Therefore, it has been classified as a Variant of Uncertain Significance. Algorithms developed to predict the effect of missense changes on protein structure and function are either unavailable or do not agree on the potential impact of this missense change (SIFT: "Deleterious"; PolyPhen-2: "Benign"; Align-GVGD: "Class C0"). This variant has not been reported in the literature in individuals with AIRE-related conditions. This variant is not present in population databases (ExAC no frequency). This sequence change replaces histidine with arginine at codon 458 of the AIRE protein (p.His458Arg). The histidine residue is moderately conserved and there is a small physicochemical difference between histidine and arginine.

Natera, Inc.
Classification: Uncertain significance for Polyglandular autoimmune syndrome type 1. Last evaluated: 2020-01-24. Review status: no assertion criteria provided. Collection method: clinical testing. Allele origin: germline. Not counted in ClinVar's aggregate classification.